The following is an entry in ClinVar:

ClinVar aggregate classification (germline): Likely pathogenic (1 of 4 stars; one submission).

Conditions:
Global developmental delay, absent or hypoplastic corpus callosum, and dysmorphic facies (GDACCF). Identifiers: MedGen C4310644, MONDO:0014994, OMIM 617260.

Submission:

Diagnostics Services (NGS), CSIR - Centre For Cellular And Molecular Biology
Classification: Likely pathogenic for Global developmental delay, absent or hypoplastic corpus callosum, and dysmorphic facies. Last evaluated: 2025-09-01. Review status: criteria provided, single submitter. Criteria: ACMG Guidelines, 2015. Collection method: clinical testing. Allele origin: germline. Affected: yes. Observed: 1 variant allele, 1 heterozygote.
Comment: The c.2248delinsTATTC variant is not present in 1000 Genomes, EVS, gnomAD, Indian Exome Database or our internal database. This variant has neither been published in the literature for ZNF148-related conditions nor reported to clinical databases like Human Genome Mutation database (HGMD), OMIM, or ClinVar in any affected individuals. In-silico pathogenicity prediction programs like MutationTaster2021, CADD, Franklin, etc predicted this variant to be likely deleterious. This variant causes frameshift at the 750th amino acid position of the wild-type transcript which creates a premature translational stop signal at the altered transcript that may either result in translation of a truncated protein or cause nonsense mediated decay of the mRNA.

NM_021964.3(ZNF148):c.2248delinsTATTC (p.Thr750fs)

Genes: ZNF148 (zinc finger protein 148; minus strand), LOC126806798 (P300/CBP strongly-dependent group 1 enhancer GRCh37_chr3:124950809-124952008; plus strand). Cytogenetic location: 3q21.2.
Variant type: Indel.
Coding change: c.2248delinsTATTC on transcript NM_021964.3 (MANE Select); coding-DNA position 2248, A replaced by TATTC.
Protein change: p.Thr750fs; shifts the reading frame from threonine 750.
Molecular consequence: frameshift variant.
Genome position (GRCh38, 1-based): chr3:125,232,478, T replaced by GAATA on the plus strand (A replaced by TATTC on the coding strand, the reverse complement: ZNF148 is on the minus strand). VCF-style: chr3-125232478-T-GAATA. GRCh37 (hg19) VCF-style: chr3-124951322-T-GAATA.
Other names: c.2248delinsTATTC, p.Thr750fs (NM_001348424.1, NM_001348425.2, NM_001348426.2 and 7 more transcripts); c.2122delinsTATTC, p.Thr708fs (NM_001348434.2); short protein forms T708fs, T750fs.
Identifiers: ClinVar variation 4279595 (VCV004279595.1).
Genomic context (GRCh38, chr3:125,232,478, plus strand): 5'-GAAATTCTGAAAATTCAGCACTTGTCCCTGGTCCCCGAAGGTTCACCTGTCCATTGGCAG[T>GAATA]GCTAAATTGAGTAGCTATTCCAGCTCTTGATCCATGATAGGGAGCACGGAAGGGCTGTTC-3'